The following is an entry in ClinVar:

ClinVar aggregate classification (germline): Uncertain significance (1 of 4 stars; one submission).

Allele frequency attached by ClinVar (database versions not stated): gnomAD exomes below 0.00001.
gnomAD v4.1: 2 of 1,586,294 alleles (0.00013%); highest among the groups gnomAD compares: Non-Finnish European, 0.00017%; no homozygotes.

Submission:

Labcorp Genetics (formerly Invitae), Labcorp
Classification: Uncertain significance. Last evaluated: 2023-07-12. Review status: criteria provided, single submitter. Criteria: Invitae Variant Classification Sherloc (09022015). Collection method: clinical testing. Allele origin: germline.
Comment: This variant has not been reported in the literature in individuals affected with ADGRB2-related conditions. This variant is not present in population databases (gnomAD no frequency). This sequence change replaces valine, which is neutral and non-polar, with alanine, which is neutral and non-polar, at codon 1126 of the ADGRB2 protein (p.Val1126Ala). In summary, the available evidence is currently insufficient to determine the role of this variant in disease. Therefore, it has been classified as a Variant of Uncertain Significance. An algorithm developed to predict the effect of missense changes on protein structure and function (PolyPhen-2) suggests that this variant is likely to be disruptive.

NM_001364857.2(ADGRB2):c.3476T>C (p.Val1159Ala)

Gene: ADGRB2 (adhesion G protein-coupled receptor B2; minus strand). Cytogenetic location: 1p35.2.
Variant type: single nucleotide variant.
Coding change: c.3476T>C on transcript NM_001364857.2 (MANE Select); coding-DNA position 3476, T replaced by C.
Protein change: p.Val1159Ala; replaces valine 1159 with alanine.
Molecular consequence: missense variant.
Genome position (GRCh38, 1-based): chr1:31,733,120, A>G on the plus strand (T>C on the coding strand, the complement: ADGRB2 is on the minus strand). VCF-style: chr1-31733120-A-G. GRCh37 (hg19) VCF-style: chr1-32198721-A-G.
Other names: c.3476T>C, p.Val1159Ala (NM_001294335.2, NM_001703.2); c.3377T>C, p.Val1126Ala (NM_001294336.2); short protein forms V1126A, V1159A.
Identifiers: ClinVar variation 3003495 (VCV003003495.3), dbSNP rs2523648483, ClinGen allele CA339600407.